The following is an entry in ClinVar:

ClinVar aggregate classification (germline): Uncertain significance. Review status: criteria provided, multiple submitters, no conflicts (2 of 4 stars). 3 submissions from 3 submitters: Uncertain significance (3). Last evaluated 2026-03-20.

Conditions:
Periodic fever-infantile enterocolitis-autoinflammatory syndrome. Also called: Autoinflammation with infantile enterocolitis. Identifiers: Orphanet 436166, MedGen C4015067, MONDO:0014472, OMIM 616050.
Familial cold autoinflammatory syndrome 4 (FCAS4). Identifiers: Orphanet 47045, Orphanet 576349, MedGen C4015276, MONDO:0014498, OMIM 616115.
NLRC4-related disorder. Also called: NLRC4-related condition.

gnomAD v4.1: 3 of 1,612,898 alleles (0.00019%); highest among the groups gnomAD compares: Admixed American, 0.0033%; no homozygotes.

Submissions (3):

PreventionGenetics, part of Exact Sciences
Classification: Uncertain significance for NLRC4-related condition. Last evaluated: 2026-03-20. Review status: criteria provided, single submitter. Criteria: ACMG Guidelines, 2015. Collection method: clinical testing. Allele origin: germline.
Comment: The NLRC4 c.2874G>A variant is predicted to result in the amino acid substitution p.Met958Ile. To our knowledge, this variant has not been reported in the literature. This variant is reported in 0.0057% of alleles in individuals of Latino descent in gnomAD. At this time, the clinical significance of this variant is uncertain due to the absence of conclusive functional and genetic evidence.

Labcorp Genetics (formerly Invitae), Labcorp
Classification: Uncertain significance for Periodic fever-infantile enterocolitis-autoinflammatory syndrome; Familial cold autoinflammatory syndrome 4. Last evaluated: 2026-01-27. Review status: criteria provided, single submitter. Criteria: Invitae Variant Classification Sherloc (09022015). Collection method: clinical testing. Allele origin: germline.
Comment: This sequence change replaces methionine, which is neutral and non-polar, with isoleucine, which is neutral and non-polar, at codon 958 of the NLRC4 protein (p.Met958Ile). This variant is present in population databases (no rsID available, gnomAD 0.006%). This variant has not been reported in the literature in individuals affected with NLRC4-related conditions. Invitae Evidence Modeling of protein sequence and biophysical properties (such as structural, functional, and spatial information, amino acid conservation, physicochemical variation, residue mobility, and thermodynamic stability) indicates that this missense variant is not expected to disrupt NLRC4 protein function with a negative predictive value of 80%. Algorithms developed to predict the effect of sequence changes on RNA splicing suggest that this variant may create or strengthen a splice site. In summary, the available evidence is currently insufficient to determine the role of this variant in disease. Therefore, it has been classified as a Variant of Uncertain Significance.

Blueprint Genetics
Classification: Uncertain significance. Last evaluated: 2023-05-09. Review status: criteria provided, single submitter. Criteria: ACMG Guidelines, 2015. Collection method: clinical testing. Allele origin: germline.

NM_001199138.2(NLRC4):c.2874G>A (p.Met958Ile)

Gene: NLRC4 (NLR family CARD domain containing 4; minus strand). Cytogenetic location: 2p22.3.
Variant type: single nucleotide variant.
Coding change: c.2874G>A on transcript NM_001199138.2 (MANE Select); coding-DNA position 2874, G replaced by A.
Protein change: p.Met958Ile; replaces methionine 958 with isoleucine.
Molecular consequence: missense variant.
Genome position (GRCh38, 1-based): chr2:32,224,674, C>T on the plus strand (G>A on the coding strand, the complement: NLRC4 is on the minus strand). VCF-style: chr2-32224674-C-T. GRCh37 (hg19) VCF-style: chr2-32449743-C-T.
Other names: c.2874G>A, p.Met958Ile (NM_001199139.2, NM_021209.5); c.879G>A, p.Met293Ile (NM_001302504.2); short protein forms M293I, M958I.
Identifiers: ClinVar variation 4788176 (VCV004788176.3).